The following is an entry in ClinVar:

NM_000038.6(APC):c.2834G>A (p.Arg945Lys)

Gene: APC (APC regulator of Wnt signaling pathway; plus strand). Cytogenetic location: 5q22.2.
Variant type: single nucleotide variant.
Coding change: c.2834G>A on transcript NM_000038.6 (MANE Select); coding-DNA position 2834, G replaced by A.
Protein change: p.Arg945Lys; replaces arginine 945 with lysine.
Molecular consequence: missense variant.
Genome position (GRCh38, 1-based): chr5:112,838,428, G>A. VCF-style: chr5-112838428-G-A. GRCh37 (hg19) VCF-style: chr5-112174125-G-A.
Other names: c.2834G>A, p.Arg945Lys (NM_001127510.3, NM_001354895.2, NM_001407450.1); c.2780G>A, p.Arg927Lys (NM_001127511.3); c.2888G>A, p.Arg963Lys (NM_001354896.2, NM_001407447.1, NM_001407448.1 and 1 more transcripts); c.2864G>A, p.Arg955Lys (NM_001354897.2); c.2759G>A, p.Arg920Lys (NM_001354898.2); c.2750G>A, p.Arg917Lys (NM_001354899.2); c.2711G>A, p.Arg904Lys (NM_001354900.2); c.2657G>A, p.Arg886Lys (NM_001354901.2, NM_001407453.1); and 11 more; short protein forms R816K, R819K, R886K, R917K, R920K, R561K, R662K, R785K.
Identifiers: ClinVar variation 2009067 (VCV002009067.4), dbSNP rs773815595, ClinGen allele CA16027512.
Genomic context (GRCh38, chr5:112,838,428, plus strand): 5'-GCTCTGCTGCCCATACACATTCAAACACTTACAATTTCACTAAGTCGGAAAATTCAAATA[G>A]GACATGTTCTATGCCTTATGCCAAATTAGAATACAAGAGATCTTCAAATGATAGTTTAAA-3'
Protein context (NP_000029.2, residues 935-955): YNFTKSENSN[Arg945Lys]TCSMPYAKLE

ClinVar aggregate classification (germline): Uncertain significance (1 of 4 stars; one submission).

Conditions:
Familial adenomatous polyposis 1 (FAP1). Also called: FAMILIAL ADENOMATOUS POLYPOSIS 1, ATTENUATED; POLYPOSIS, ADENOMATOUS INTESTINAL. Identifiers: MedGen C2713442, MONDO:0021056, OMIM 175100. Disease mechanism: loss of function.

Submission:

Labcorp Genetics (formerly Invitae), Labcorp
Classification: Uncertain significance for Familial adenomatous polyposis 1. Last evaluated: 2022-06-22. Review status: criteria provided, single submitter. Criteria: Invitae Variant Classification Sherloc (09022015). Collection method: clinical testing. Allele origin: germline.
Comment: Algorithms developed to predict the effect of missense changes on protein structure and function (SIFT, PolyPhen-2, Align-GVGD) all suggest that this variant is likely to be disruptive. In summary, the available evidence is currently insufficient to determine the role of this variant in disease. Therefore, it has been classified as a Variant of Uncertain Significance. This variant has not been reported in the literature in individuals affected with APC-related conditions. This sequence change replaces arginine, which is basic and polar, with lysine, which is basic and polar, at codon 945 of the APC protein (p.Arg945Lys). This variant is present in population databases (no rsID available, gnomAD 0.0009%).